The following is an entry in ClinVar:

NM_007144.3(PCGF2):c.344G>A (p.Gly115Asp)

Gene: PCGF2 (polycomb group ring finger 2; minus strand). Cytogenetic location: 17q12.
Variant type: single nucleotide variant.
Coding change: c.344G>A on transcript NM_007144.3 (MANE Select); coding-DNA position 344, G replaced by A.
Protein change: p.Gly115Asp; replaces glycine 115 with aspartic acid.
Molecular consequence: missense variant.
Genome position (GRCh38, 1-based): chr17:38,738,834, C>T on the plus strand (G>A on the coding strand, the complement: PCGF2 is on the minus strand). VCF-style: chr17-38738834-C-T. GRCh37 (hg19) VCF-style: chr17-36895087-C-T.
Other names: c.344G>A, p.Gly115Asp (NM_001369614.1, NM_001369615.1); short protein forms G115D.
Identifiers: ClinVar variation 2894646 (VCV002894646.3), dbSNP rs754586944, ClinGen allele CA8525020.

ClinVar aggregate classification (germline): Uncertain significance (1 of 4 stars; one submission).

Allele frequency attached by ClinVar (database versions not stated): gnomAD 0.00001; gnomAD exomes 0.00001; TOPMed below 0.00001; ExAC 0.00002.
gnomAD v4.1: 6 of 1,613,906 alleles (0.00037%); highest among the groups gnomAD compares: Admixed American, 0.005%; no homozygotes.

Submission:

Labcorp Genetics (formerly Invitae), Labcorp
Classification: Uncertain significance. Last evaluated: 2025-03-25. Review status: criteria provided, single submitter. Criteria: Invitae Variant Classification Sherloc (09022015). Collection method: clinical testing. Allele origin: germline.
Comment: This sequence change replaces glycine, which is neutral and non-polar, with aspartic acid, which is acidic and polar, at codon 115 of the PCGF2 protein (p.Gly115Asp). This variant is present in population databases (rs754586944, gnomAD 0.006%). This variant has not been reported in the literature in individuals affected with PCGF2-related conditions. ClinVar contains an entry for this variant (Variation ID: 2894646). Invitae Evidence Modeling of protein sequence and biophysical properties (such as structural, functional, and spatial information, amino acid conservation, physicochemical variation, residue mobility, and thermodynamic stability) indicates that this missense variant is not expected to disrupt PCGF2 protein function with a negative predictive value of 80%. In summary, the available evidence is currently insufficient to determine the role of this variant in disease. Therefore, it has been classified as a Variant of Uncertain Significance.